The following is an entry in ClinVar:

ClinVar aggregate classification (germline): Conflicting classifications of pathogenicity. Review status: criteria provided, conflicting classifications (1 of 4 stars). 3 submissions from 3 submitters: Likely pathogenic (2); Uncertain significance (1). Last evaluated 2025-08-29.

Conditions:
Adult hypophosphatasia. Identifiers: Orphanet 247676, Orphanet 436, MedGen C0268413, MONDO:1010154, OMIM 146300, MONDO:0007798.
Childhood hypophosphatasia. Identifiers: Orphanet 247667, Orphanet 436, MedGen C0220743, MONDO:1010168, OMIM 241510, MONDO:0009428.
Infantile hypophosphatasia. Identifiers: Orphanet 247651, Orphanet 436, MedGen C0268412, MONDO:1010169, OMIM 241500, MONDO:0009427.
Hypophosphatasia. Also called: Phosphoethanol-aminuria. Identifiers: Orphanet 436, MedGen C0020630, MeSH D007014, MONDO:0018570.

Submissions (3):

Genomenon, Inc
Classification: Likely pathogenic for Hypophosphatasia. Last evaluated: 2025-08-29. Review status: criteria provided, single submitter. Criteria: Genomenon Sequence Variant Interpretation Standards. Collection method: curation. Allele origin: germline. Affected: yes.
Comment: ALPL c.979_980delinsGG is a variant that changes the amino acid at residue 327 from Phenylalanine to Glycine. This variant has been observed in at least one proband affected with hypophosphatasia (PMID:11438998). This variant has been described as Phe310Gly in the literature. It is absent or not present at a significant frequency in gnomAD. The presence of pathogenic missense variant(s) at the same amino acid position indicates that this residue is likely important for protein function. In conclusion, we classify ALPL p.Phe327Gly (c.979_980delinsGG) as a likely pathogenic variant.

Labcorp Genetics (formerly Invitae), Labcorp
Classification: Uncertain significance. Last evaluated: 2025-07-29. Review status: criteria provided, single submitter. Criteria: Invitae Variant Classification Sherloc (09022015). Collection method: clinical testing. Allele origin: germline.
Comment: This sequence change replaces phenylalanine, which is neutral and non-polar, with glycine, which is neutral and non-polar, at codon 327 of the ALPL protein (p.Phe327Gly). Information on the frequency of this variant in the gnomAD database is not available, as this variant may be reported differently in the database. This missense change has been observed in individual(s) with autosomal recessive hypophosphatasia (PMID: 11438998). This variant is also known as F310G. ClinVar contains an entry for this variant (Variation ID: 2202720). An algorithm developed to predict the effect of missense changes on protein structure and function (PolyPhen-2) suggests that this variant is likely to be disruptive. This variant disrupts the p.Phe327 amino acid residue in ALPL. Other variant(s) that disrupt this residue have been determined to be pathogenic (PMID: 8954059, 9814472, 12412800, 15660230). This suggests that this residue is clinically significant, and that variants that disrupt this residue are likely to be disease-causing. In summary, the available evidence is currently insufficient to determine the role of this variant in disease. Therefore, it has been classified as a Variant of Uncertain Significance.

Fulgent Genetics
Classification: Likely pathogenic for Adult hypophosphatasia; Infantile hypophosphatasia; Childhood hypophosphatasia. Last evaluated: 2024-04-30. Review status: criteria provided, single submitter. Criteria: ACMG Guidelines, 2015. Collection method: clinical testing. Allele origin: germline.

Literature cited by the submitters: PubMed 11438998 (cited by Genomenon, Inc and Labcorp Genetics (formerly Invitae), Labcorp); PubMed 8954059 (cited by Labcorp Genetics (formerly Invitae), Labcorp); PubMed 9814472 (cited by Labcorp Genetics (formerly Invitae), Labcorp); PubMed 12412800 (cited by Labcorp Genetics (formerly Invitae), Labcorp); PubMed 15660230 (cited by Labcorp Genetics (formerly Invitae), Labcorp).

NM_000478.6(ALPL):c.979_980delinsGG (p.Phe327Gly)

Gene: ALPL (alkaline phosphatase, biomineralization associated; plus strand). Cytogenetic location: 1p36.12.
Variant type: Indel.
Coding change: c.979_980delinsGG on transcript NM_000478.6 (MANE Select); coding-DNA positions 979 to 980, TT replaced by GG.
Protein change: p.Phe327Gly; replaces phenylalanine 327 with glycine.
Molecular consequence: missense variant.
Genome position (GRCh38, 1-based): chr1:21,573,781-21,573,782, TT replaced by GG. VCF-style: chr1-21573781-TT-GG. GRCh37 (hg19) VCF-style: chr1-21900274-TT-GG.
Other names: c.814_815delinsGG, p.Phe272Gly (NM_001127501.4); c.748_749delinsGG, p.Phe250Gly (NM_001177520.3); c.979_980delinsGG, p.Phe327Gly (NM_001369803.2, NM_001369804.2, NM_001369805.2); short protein forms F272G, F250G, F327G.
Identifiers: ClinVar variation 2202720 (VCV002202720.6), dbSNP rs2545334994, ClinGen allele CA2580061457.